The following is an entry in ClinVar:

NC_000022.11:g.(?_19755901)_(19783042_?)del

Genes: TBX1 (T-box transcription factor 1; plus strand), LOC110120888 (VISTA enhancer hs515; plus strand). Cytogenetic location: 22q11.21.
Variant type: Deletion.
Identifiers: ClinVar variation 583599 (VCV000583599.3).

ClinVar aggregate classification (germline): Pathogenic (1 of 4 stars; one submission).

Conditions:
DiGeorge syndrome. Also called: Catch22; THIRD AND FOURTH PHARYNGEAL POUCH SYNDROME. Identifiers: Orphanet 567, MedGen C0012236, MONDO:0008564, OMIM 188400.

Submission:

Labcorp Genetics (formerly Invitae), Labcorp
Classification: Pathogenic for DiGeorge sequence. Last evaluated: 2019-12-23. Review status: criteria provided, single submitter. Criteria: Invitae Variant Classification Sherloc (09022015). Collection method: clinical testing. Allele origin: germline.
Comment: A gross deletion of the genomic region encompassing the full coding sequence of the TBX1 gene has been identified. The boundaries of this event are unknown as the deletion extends beyond the assayed region for this gene and therefore may encompass additional genes. Contiguous gene deletions that include TBX1 have been observed in multiple individuals with congenital heart disease, DiGeorge syndrome, and pulmonary atresia (PMID: 25205790, 25516202, 24826987). Loss-of-function variants in TBX1 are known to be pathogenic (PMID: 11239417, 11242049). For these reasons, this variant has been classified as Pathogenic.

Literature cited by the submitters: PubMed 25516202; PubMed 24826987; PubMed 25205790.